The following is an entry in ClinVar:

NM_004329.3(BMPR1A):c.899G>A (p.Gly300Asp)

Gene: BMPR1A (bone morphogenetic protein receptor type 1A; plus strand). Cytogenetic location: 10q23.2.
Variant type: single nucleotide variant.
Coding change: c.899G>A on transcript NM_004329.3 (MANE Select); coding-DNA position 899, G replaced by A.
Protein change: p.Gly300Asp; replaces glycine 300 with aspartic acid.
Molecular consequence: missense variant. On other transcripts: non-coding transcript variant (3).
Genome position (GRCh38, 1-based): chr10:86,919,202, G>A. VCF-style: chr10-86919202-G-A. GRCh37 (hg19) VCF-style: chr10-88678959-G-A.
Other names: c.974G>A, p.Gly325Asp (NM_001406559.1); c.947G>A, p.Gly316Asp (NM_001406560.1); c.899G>A, p.Gly300Asp (NM_001406561.1, NM_001406562.1, NM_001406563.1 and 19 more transcripts); c.893G>A, p.Gly298Asp (NM_001406583.1); c.815G>A, p.Gly272Asp (NM_001406584.1, NM_001406585.1, NM_001406586.1 and 2 more transcripts); c.557G>A, p.Gly186Asp (NM_001406589.1); short protein forms G300D, G316D, G272D, G325D, G186D, G298D.
Identifiers: ClinVar variation 2450267 (VCV002450267.3), dbSNP rs2133589488, ClinGen allele CA377459938.

ClinVar aggregate classification (germline): Uncertain significance (1 of 4 stars; one submission).

Conditions:
Hereditary cancer-predisposing syndrome. Also called: Neoplastic Syndromes, Hereditary; Tumor predisposition; Hereditary neoplastic syndrome; Hereditary Cancer Syndrome. Identifiers: Orphanet 140162, MedGen C0027672, MeSH D009386, MONDO:0015356.

Submission:

Ambry Genetics
Classification: Uncertain significance for Hereditary cancer-predisposing syndrome. Last evaluated: 2025-02-14. Review status: criteria provided, single submitter. Criteria: Ambry Variant Classification Scheme 2023. Collection method: clinical testing. Allele origin: germline.
Comment: The p.G300D variant (also known as c.899G>A), located in coding exon 8 of the BMPR1A gene, results from a G to A substitution at nucleotide position 899. The glycine at codon 300 is replaced by aspartic acid, an amino acid with similar properties. This amino acid position is highly conserved in available vertebrate species. In addition, this alteration is predicted to be deleterious by in silico analysis. Based on the available evidence, the clinical significance of this variant remains unclear.